The following is an entry in ClinVar:

ClinVar aggregate classification (germline): Likely benign (0 of 4 stars; one submission).

Conditions:
SIM1-related disorder. Also called: SIM1-related condition; SIM1-related disorders.

gnomAD v4.1: 5 of 1,614,058 alleles (0.00031%); highest among the groups gnomAD compares: Admixed American, 0.005%; no homozygotes.

Submission:

PreventionGenetics, part of Exact Sciences
Classification: Likely benign for SIM1-related condition. Last evaluated: 2019-08-23. Review status: no assertion criteria provided. Collection method: clinical testing. Allele origin: germline.
Comment: This variant is classified as likely benign based on ACMG/AMP sequence variant interpretation guidelines (Richards et al. 2015 PMID: 25741868, with internal and published modifications).

NM_005068.3(SIM1):c.1963C>T (p.Leu655=)

Gene: SIM1 (SIM bHLH transcription factor 1; minus strand). Cytogenetic location: 6q16.3.
Variant type: single nucleotide variant.
Coding change: c.1963C>T on transcript NM_005068.3 (MANE Select); coding-DNA position 1963, C replaced by T.
Protein change: p.Leu655=; no amino-acid change (leucine 655 retained).
Molecular consequence: synonymous variant.
Genome position (GRCh38, 1-based): chr6:100,390,699, G>A on the plus strand (C>T on the coding strand, the complement: SIM1 is on the minus strand). VCF-style: chr6-100390699-G-A. GRCh37 (hg19) VCF-style: chr6-100838575-G-A.
Other names: c.1963C>T, p.Leu655= (NM_001374769.1).
Identifiers: ClinVar variation 3356896 (VCV003356896.1).
Genomic context (GRCh38, chr6:100,390,699, plus strand): 5'-TAGCTAGGATCAAACTGGATTTTGAAATGCGATCCGAATTGGGACTACTTATCCGAGATA[G>A]TGCGGTGGGACTGTTGTCATAGTCATTTTCATGGGGGCTCAACATTTTTCCCTCTCTCTG-3'
Protein context (NP_005059.2, residues 645-665): ENDYDNSPTA[Leu655=]SRISSPNSDR